The following is an entry in ClinVar:

NM_004933.3(CDH15):c.2294A>C (p.Tyr765Ser)

Gene: CDH15 (cadherin 15; plus strand). Cytogenetic location: 16q24.3.
Variant type: single nucleotide variant.
Coding change: c.2294A>C on transcript NM_004933.3 (MANE Select); coding-DNA position 2294, A replaced by C.
Protein change: p.Tyr765Ser; replaces tyrosine 765 with serine.
Molecular consequence: missense variant.
Genome position (GRCh38, 1-based): chr16:89,195,004, A>C. VCF-style: chr16-89195004-A-C. GRCh37 (hg19) VCF-style: chr16-89261412-A-C.
Other names: short protein forms Y765S.
Identifiers: ClinVar variation 4689562 (VCV004689562.1).

ClinVar aggregate classification (germline): Uncertain significance (1 of 4 stars; one submission).

gnomAD v4.1: 2 of 1,612,060 alleles (0.00012%); highest among the groups gnomAD compares: African/African-American, 0.0027%; no homozygotes.

Submission:

Women's Health and Genetics/Laboratory Corporation of America, LabCorp
Classification: Uncertain significance. Last evaluated: 2026-01-07. Review status: criteria provided, single submitter. Criteria: LabCorp Variant Classification Summary - May 2015. Collection method: clinical testing. Allele origin: germline.
Comment: Variant summary: CDH15 c.2294A>C (p.Tyr765Ser) results in a non-conservative amino acid change in the encoded protein sequence. Algorithms developed to predict the effect of missense changes on protein structure and function all suggest that this variant is likely to be disruptive. The variant was absent in 246774 control chromosomes. The available data on variant occurrences in the general population are insufficient to allow any conclusion about variant significance. To our knowledge, no occurrence of c.2294A>C in individuals affected with CDH15-related conditions and no experimental evidence demonstrating its impact on protein function have been reported. No submitters have cited clinical-significance assessments for this variant to ClinVar. Based on the evidence outlined above, the variant was classified as uncertain significance.